The following is an entry in ClinVar:

NM_052844.4(DYNC2I2):c.1061C>T (p.Thr354Met)

Genes: DYNC2I2 (dynein 2 intermediate chain 2; minus strand), LOC126860772 (CDK7 strongly-dependent group 2 enhancer GRCh37_chr9:131396972-131398171; plus strand). Cytogenetic location: 9q34.11.
Variant type: single nucleotide variant.
Coding change: c.1061C>T on transcript NM_052844.4 (MANE Select); coding-DNA position 1061, C replaced by T.
Protein change: p.Thr354Met; replaces threonine 354 with methionine.
Molecular consequence: missense variant.
Genome position (GRCh38, 1-based): chr9:128,634,842, G>A on the plus strand (C>T on the coding strand, the complement: DYNC2I2 is on the minus strand). VCF-style: chr9-128634842-G-A. GRCh37 (hg19) VCF-style: chr9-131397121-G-A.
Other names: T345M; short protein forms T354M.
Identifiers: ClinVar variation 97038 (VCV000097038.4), dbSNP rs587777092, ClinGen allele CA210599.

ClinVar aggregate classification (germline): Conflicting classifications of pathogenicity. Review status: criteria provided, conflicting classifications (1 of 4 stars). 4 submissions from 4 submitters: Likely pathogenic (2); Uncertain significance (1). 1 of the submissions does not count toward it. Last evaluated 2026-03-03.

Conditions:
Short-rib thoracic dysplasia 11 with or without polydactyly (SRTD11). Also called: SHORT-RIB THORACIC DYSPLASIA 11 WITHOUT POLYDACTYLY. Identifiers: Orphanet 474, Orphanet 93271, MedGen C3810200, MONDO:0014287, OMIM 615633.
DYNC2I2-related disorder. Also called: DYNC2I2-related condition.

Allele frequency attached by ClinVar (database versions not stated): gnomAD 0.00001; gnomAD exomes 0.00001; ExAC 0.00002.
gnomAD v4.1: 20 of 1,613,432 alleles (0.0012%); highest among the groups gnomAD compares: South Asian, 0.0022%; no homozygotes.

Submissions (4):

Women's Health and Genetics/Laboratory Corporation of America, LabCorp
Classification: Likely pathogenic for Short-rib thoracic dysplasia 11 with or without polydactyly. Last evaluated: 2026-03-03. Review status: criteria provided, single submitter. Criteria: LabCorp Variant Classification Summary - May 2015. Collection method: clinical testing. Allele origin: germline.
Comment: Variant summary: DYNC2I2 c.1061C>T (p.Thr354Met) results in a non-conservative amino acid change in the encoded protein sequence. Algorithms developed to predict the effect of missense changes on protein structure and function are either unavailable or do not agree on the potential impact of this missense change. The variant allele was found at a frequency of 1.1e-05 in 280792 control chromosomes (gnomAD). c.1061C>T has been observed in individuals affected with Short-Rib Thoracic Dysplasia 11 With Or Without Polydactyly (Huber_2013, Monies_2019). These data indicate that the variant is likely to be associated with disease. At least one publication reports experimental evidence evaluating an impact on protein function and this variant affected DYNC2I2 protein function (Huber_2013, Shak_2022). The following publications have been ascertained in the context of this evaluation (PMID: 24183449, 31130284, 36268591). ClinVar contains an entry for this variant (Variation ID: 97038). Based on the evidence outlined above, the variant was classified as likely pathogenic.

PreventionGenetics, part of Exact Sciences
Classification: Likely pathogenic for DYNC2I2-related condition. Last evaluated: 2023-09-22. Review status: criteria provided, single submitter. Criteria: ACMG Guidelines, 2015. Collection method: clinical testing. Allele origin: germline.
Comment: The DYNC2I2 c.1061C>T variant is predicted to result in the amino acid substitution p.Thr354Met. This variant was reported in the homozygous state in two cases of short-rib polydactyly syndrome and/or asphyxiating thoracic dysplasia (Huber et al. 2013. PubMed ID: 24183449; Table S1, Monies et al. 2019. PubMed ID: 31130284). Functional studies showed that this variant impacts normal protein function (Huber et al. 2013. PubMed ID: 24183449; Shak et al. 2022. PubMed ID: 36268591). This variant is reported in 0.0040% of alleles in individuals of European (Finnish) descent in gnomAD. A different nucleotide substitution affecting the same amino acid (p.Thr354Ala) has been reported in the compound heterozygous state in one case of short-rib polydactyly syndrome (Table S2, Zhang et al. 2018. PubMed ID: 29068549). Taken together, the c.1061C>T (p.Thr354Met) variant is interpreted as likely pathogenic.

Blueprint Genetics
Classification: Uncertain significance. Last evaluated: 2020-09-01. Review status: criteria provided, single submitter. Criteria: ACMG Guidelines, 2015. Collection method: clinical testing. Allele origin: germline.

OMIM
Classification: Pathogenic for SHORT-RIB THORACIC DYSPLASIA 11 WITHOUT POLYDACTYLY. Last evaluated: 2013-11-07. Review status: no assertion criteria provided. Collection method: literature only. Allele origin: germline. Not counted in ClinVar's aggregate classification.

Literature cited by the submitters: PubMed 31130284 (cited by Women's Health and Genetics/Laboratory Corporation of America, LabCorp); PubMed 24183449 (cited by Women's Health and Genetics/Laboratory Corporation of America, LabCorp and OMIM); PubMed 36268591 (cited by Women's Health and Genetics/Laboratory Corporation of America, LabCorp).